The following is an entry in ClinVar:

NM_001853.4(COL9A3):c.1588G>T (p.Gly530Trp)

Genes: COL9A3 (collagen type IX alpha 3 chain; plus strand), LOC126863084 (MED14-independent group 3 enhancer GRCh37_chr20:61467141-61468340; plus strand). Cytogenetic location: 20q13.33.
Variant type: single nucleotide variant.
Coding change: c.1588G>T on transcript NM_001853.4 (MANE Select); coding-DNA position 1588, G replaced by T.
Protein change: p.Gly530Trp; replaces glycine 530 with tryptophan.
Molecular consequence: missense variant.
Genome position (GRCh38, 1-based): chr20:62,836,517, G>T. VCF-style: chr20-62836517-G-T. GRCh37 (hg19) VCF-style: chr20-61467869-G-T.
Other names: short protein forms G530W.
Identifiers: ClinVar variation 1064927 (VCV001064927.13), dbSNP rs759377762, ClinGen allele CA9950074.

ClinVar aggregate classification (germline): Uncertain significance. Review status: criteria provided, multiple submitters, no conflicts (2 of 4 stars). 4 submissions from 4 submitters: Uncertain significance (4). Last evaluated 2026-07-17.

Conditions:
COL9A3-related disorder. Also called: COL9A3-related condition.
Hearing impairment. Also called: Impaired Hearing. Identifiers: MedGen C1384666, MONDO:0005365, HP:0000365.

gnomAD v4.1: 10 of 1,612,318 alleles (0.00062%); highest among the groups gnomAD compares: South Asian, 0.0022%; no homozygotes.

Submissions (4):

PreventionGenetics, part of Exact Sciences
Classification: Uncertain significance for COL9A3-related condition. Last evaluated: 2026-07-17. Review status: criteria provided, single submitter. Criteria: ACMG Guidelines, 2015. Collection method: clinical testing. Allele origin: germline.
Comment: The COL9A3 c.1588G>T variant is predicted to result in the amino acid substitution p.Gly530Trp. To our knowledge, this variant has not been reported in the literature. This variant is reported in 0.0065% of alleles in individuals of African descent in gnomAD. At this time, the clinical significance of this variant is uncertain due to the absence of conclusive functional and genetic evidence.

Labcorp Genetics (formerly Invitae), Labcorp
Classification: Uncertain significance. Last evaluated: 2024-08-31. Review status: criteria provided, single submitter. Criteria: Invitae Variant Classification Sherloc (09022015). Collection method: clinical testing. Allele origin: germline.
Comment: This sequence change replaces glycine, which is neutral and non-polar, with tryptophan, which is neutral and slightly polar, at codon 530 of the COL9A3 protein (p.Gly530Trp). The frequency data for this variant in the population databases is considered unreliable, as metrics indicate poor data quality at this position in the gnomAD database. This variant has not been reported in the literature in individuals affected with COL9A3-related conditions. ClinVar contains an entry for this variant (Variation ID: 1064927). Invitae Evidence Modeling of protein sequence and biophysical properties (such as structural, functional, and spatial information, amino acid conservation, physicochemical variation, residue mobility, and thermodynamic stability) indicates that this missense variant is not expected to disrupt COL9A3 protein function with a negative predictive value of 95%. In summary, the available evidence is currently insufficient to determine the role of this variant in disease. Therefore, it has been classified as a Variant of Uncertain Significance.

Department of Otolaryngology – Head & Neck Surgery, Cochlear Implant Center
Classification: Uncertain significance for Hearing impairment. Last evaluated: 2021-04-12. Review status: criteria provided, single submitter. Criteria: ClinGen HL ACMG Specifications v1. Collection method: clinical testing. Allele origin: germline. Affected: yes.
Comment: PM2_Moderate, PP3_Supporting

Blueprint Genetics
Classification: Uncertain significance. Last evaluated: 2019-01-23. Review status: criteria provided, single submitter. Criteria: ACMG Guidelines, 2015. Collection method: clinical testing. Allele origin: germline.